The following is an entry in ClinVar:

ClinVar aggregate classification (germline): Uncertain significance. Review status: criteria provided, multiple submitters, no conflicts (2 of 4 stars). 4 submissions from 4 submitters: Uncertain significance (4). Last evaluated 2025-08-25.

Conditions:
Hereditary breast ovarian cancer syndrome. Also called: Hereditary breast and ovarian cancer syndrome; BRCA1- and BRCA2-Associated Hereditary Breast and Ovarian Cancer; Breast and ovarian cancer; Hereditary breast and/or ovarian cancer syndrome; Hereditary breast and ovarian cancer; Hereditary breast and ovarian cancer syndrome (HBOC). Identifiers: Orphanet 145, MedGen C0677776, MeSH D061325, MONDO:0003582. Disease mechanism: loss of function.
Hereditary cancer-predisposing syndrome. Also called: Neoplastic Syndromes, Hereditary; Tumor predisposition; Hereditary Cancer Syndrome; Hereditary neoplastic syndrome. Identifiers: Orphanet 140162, MedGen C0027672, MeSH D009386, MONDO:0015356.
Breast-ovarian cancer, familial, susceptibility to, 4. Identifiers: Orphanet 145, MedGen C3280345, MONDO:0013669, OMIM 614291.

gnomAD v4.1: 1 of 1,612,864 alleles (0.000062%); highest among the groups gnomAD compares: Non-Finnish European, 0.000085%; no homozygotes.

Submissions (4):

Ambry Genetics
Classification: Uncertain significance for Hereditary cancer-predisposing syndrome. Last evaluated: 2025-08-25. Review status: criteria provided, single submitter. Criteria: Ambry Variant Classification Scheme 2023. Collection method: clinical testing. Allele origin: germline.
Comment: The p.Q192R variant (also known as c.575A>G), located in coding exon 6 of the RAD51D gene, results from an A to G substitution at nucleotide position 575. The glutamine at codon 192 is replaced by arginine, an amino acid with highly similar properties. This amino acid position is highly conserved in available vertebrate species. In addition, the in silico prediction for this alteration is inconclusive. Based on the available evidence, the clinical significance of this variant remains unclear.

Labcorp Genetics (formerly Invitae), Labcorp
Classification: Uncertain significance for Breast-ovarian cancer, familial, susceptibility to, 4. Last evaluated: 2024-08-28. Review status: criteria provided, single submitter. Criteria: Invitae Variant Classification Sherloc (09022015). Collection method: clinical testing. Allele origin: germline.
Comment: This sequence change replaces glutamine, which is neutral and polar, with arginine, which is basic and polar, at codon 192 of the RAD51D protein (p.Gln192Arg). This variant is not present in population databases (gnomAD no frequency). This variant has not been reported in the literature in individuals affected with RAD51D-related conditions. ClinVar contains an entry for this variant (Variation ID: 232943). An algorithm developed to predict the effect of missense changes on protein structure and function (PolyPhen-2) suggests that this variant¬†is likely to be tolerated. In summary, the available evidence is currently insufficient to determine the role of this variant in disease. Therefore, it has been classified as a Variant of Uncertain Significance.

Department of Pathology and Laboratory Medicine, Sinai Health System
Classification: Uncertain significance for Hereditary breast ovarian cancer syndrome. Last evaluated: 2020-02-26. Review status: criteria provided, single submitter. Criteria: ACMG Guidelines, 2015. Collection method: clinical testing. Allele origin: germline. Affected: yes.

Color Diagnostics, LLC DBA Color Health
Classification: Uncertain significance for Hereditary cancer-predisposing syndrome. Last evaluated: 2019-04-03. Review status: criteria provided, single submitter. Criteria: ACMG Guidelines, 2015. Collection method: clinical testing. Allele origin: germline.

NM_002878.4(RAD51D):c.575A>G (p.Gln192Arg)

Genes: RAD51D (RAD51 paralog D; minus strand), RAD51L3-RFFL (RAD51L3-RFFL readthrough; minus strand). Cytogenetic location: 17q12.
Variant type: single nucleotide variant.
Coding change: c.575A>G on transcript NM_002878.4 (MANE Select); coding-DNA position 575, A replaced by G.
Protein change: p.Gln192Arg; replaces glutamine 192 with arginine.
Molecular consequence: missense variant. On other transcripts: non-coding transcript variant (3).
Genome position (GRCh38, 1-based): chr17:35,106,387, T>C on the plus strand (A>G on the coding strand, the complement: RAD51D is on the minus strand). VCF-style: chr17-35106387-T-C. GRCh37 (hg19) VCF-style: chr17-33433406-T-C.
Other names: c.635A>G, p.Gln212Arg (NM_001142571.2); c.239A>G, p.Gln80Arg (NM_133629.3); short protein forms Q192R, Q212R, Q80R.
Identifiers: ClinVar variation 232943 (VCV000232943.16), dbSNP rs876660090, ClinGen allele CA10580454.